The following is an entry in ClinVar:

NM_004380.3(CREBBP):c.3690T>C (p.Tyr1230=)

Gene: CREBBP (CREB binding lysine acetyltransferase; minus strand). Cytogenetic location: 16p13.3.
Variant type: single nucleotide variant.
Coding change: c.3690T>C on transcript NM_004380.3 (MANE Select); coding-DNA position 3690, T replaced by C.
Protein change: p.Tyr1230=; no amino-acid change (tyrosine 1230 retained).
Molecular consequence: synonymous variant.
Genome position (GRCh38, 1-based): chr16:3,757,296, A>G on the plus strand (T>C on the coding strand, the complement: CREBBP is on the minus strand). VCF-style: chr16-3757296-A-G. GRCh37 (hg19) VCF-style: chr16-3807297-A-G.
Other names: c.3576T>C, p.Tyr1192= (NM_001079846.1).
Identifiers: ClinVar variation 3035560 (VCV003035560.4), dbSNP rs748451307, ClinGen allele CA7869773.

ClinVar aggregate classification (germline): Benign. Review status: criteria provided, single submitter (1 of 4 stars). 2 submissions from 2 submitters: Benign (1). 1 of the submissions does not count toward it. Last evaluated 2024-06-13.

Conditions:
CREBBP-related disorder. Also called: CREBBP-related condition; CREBBP-related disorders.
Rubinstein-Taybi syndrome (RSTS). Identifiers: Orphanet 783, MedGen C0035934, MONDO:0019188.

Allele frequency attached by ClinVar (database versions not stated): TOPMed below 0.00001; gnomAD exomes 0.00001; ExAC 0.00003.
gnomAD v4.1: 5 of 1,612,254 alleles (0.00031%); highest among the groups gnomAD compares: Admixed American, 0.0084%; no homozygotes.

Submissions (2):

Labcorp Genetics (formerly Invitae), Labcorp
Classification: Benign for Rubinstein-Taybi syndrome. Last evaluated: 2024-06-13. Review status: criteria provided, single submitter. Criteria: Invitae Variant Classification Sherloc (09022015). Collection method: clinical testing. Allele origin: germline.

PreventionGenetics, part of Exact Sciences
Classification: Likely benign for CREBBP-related condition. Last evaluated: 2021-12-29. Review status: no assertion criteria provided. Collection method: clinical testing. Allele origin: germline. Not counted in ClinVar's aggregate classification.
Comment: This variant is classified as likely benign based on ACMG/AMP sequence variant interpretation guidelines (Richards et al. 2015 PMID: 25741868, with internal and published modifications).